The following is an entry in ClinVar:

ClinVar aggregate classification (germline): Uncertain significance (1 of 4 stars; one submission).

Submission:

Labcorp Genetics (formerly Invitae), Labcorp
Classification: Uncertain significance. Last evaluated: 2024-01-11. Review status: criteria provided, single submitter. Criteria: Invitae Variant Classification Sherloc (09022015). Collection method: clinical testing. Allele origin: germline.
Comment: This sequence change replaces valine, which is neutral and non-polar, with alanine, which is neutral and non-polar, at codon 40 of the POC5 protein (p.Val40Ala). This variant is not present in population databases (gnomAD no frequency). This variant has not been reported in the literature in individuals affected with POC5-related conditions. An algorithm developed to predict the effect of missense changes on protein structure and function (PolyPhen-2) suggests that this variant is likely to be tolerated. In summary, the available evidence is currently insufficient to determine the role of this variant in disease. Therefore, it has been classified as a Variant of Uncertain Significance.

NM_001099271.2(POC5):c.119T>C (p.Val40Ala)

Gene: POC5 (POC5 centriolar protein; minus strand). Cytogenetic location: 5q13.3.
Variant type: single nucleotide variant.
Coding change: c.119T>C on transcript NM_001099271.2 (MANE Select); coding-DNA position 119, T replaced by C.
Protein change: p.Val40Ala; replaces valine 40 with alanine.
Molecular consequence: missense variant.
Genome position (GRCh38, 1-based): chr5:75,707,841, A>G on the plus strand (T>C on the coding strand, the complement: POC5 is on the minus strand). VCF-style: chr5-75707841-A-G. GRCh37 (hg19) VCF-style: chr5-75003666-A-G.
Other names: c.44T>C, p.Val15Ala (NM_152408.3); short protein forms V15A, V40A.
Identifiers: ClinVar variation 2693320 (VCV002693320.3), dbSNP rs576819318, ClinGen allele CA360151076.